The following is an entry in ClinVar:

NM_001040142.2(SCN2A):c.*1474G>A

Gene: SCN2A (sodium voltage-gated channel alpha subunit 2; plus strand). Cytogenetic location: 2q24.3.
Variant type: single nucleotide variant.
Coding change: c.*1474G>A on transcript NM_001040142.2 (MANE Select); 1474 bases downstream of the stop codon, G replaced by A.
Molecular consequence: 3 prime UTR variant.
Genome position (GRCh38, 1-based): chr2:165,391,298, G>A. VCF-style: chr2-165391298-G-A. GRCh37 (hg19) VCF-style: chr2-166247808-G-A.
Other names: c.*1474G>A (NM_001040143.2, NM_001371246.1, NM_001371247.1 and 1 more transcripts).
Identifiers: ClinVar variation 331754 (VCV000331754.5), dbSNP rs138232803, ClinGen allele CA10611495.

ClinVar aggregate classification (germline): Benign (1 of 4 stars; one submission).

Conditions:
Seizures, benign familial infantile, 3 (BFIS3). Also called: CONVULSIONS, BENIGN FAMILIAL INFANTILE, 3; Familial neonatal seizures. Identifiers: Orphanet 140927, Orphanet 306, MedGen C1843140, MONDO:0011904, OMIM 607745.

Allele frequency attached by ClinVar (database versions not stated): 1000 Genomes Project 0.00100; gnomAD 0.00119 and 0.00124; 1000 Genomes Project 30x 0.00125; TOPMed 0.00139.

Submission:

Illumina Laboratory Services, Illumina
Classification: Benign for Seizures, benign familial infantile, 3. Last evaluated: 2018-01-13. Review status: criteria provided, single submitter. Criteria: ICSL Variant Classification Criteria 13 December 2019. Collection method: clinical testing. Allele origin: germline.
Comment: This variant was observed in the ICSL laboratory as part of a predisposition screen in an ostensibly healthy population. It had not been previously curated by ICSL or reported in the Human Gene Mutation Database (HGMD: prior to June 1st, 2018), and was therefore a candidate for classification through an automated scoring system. Utilizing variant allele frequency, disease prevalence and penetrance estimates, and inheritance mode, an automated score was calculated to assess if this variant is too frequent to cause the disease. Based on the score and internal cut-off values, a variant classified as benign is not then subjected to further curation. The score for this variant resulted in a classification of benign for this disease.